The following is an entry in ClinVar:

NM_001127511.3(APC):c.-143A>C

Gene: APC (APC regulator of Wnt signaling pathway; plus strand). Cytogenetic location: 5q22.2.
Variant type: single nucleotide variant.
Coding change: c.-143A>C on transcript NM_001127511.3; 143 bases upstream of the start codon, A replaced by C.
Molecular consequence: 5 prime UTR variant. On other transcripts: non-coding transcript variant (2).
Genome position (GRCh38, 1-based): chr5:112,707,575, A>C. VCF-style: chr5-112707575-A-C. GRCh37 (hg19) VCF-style: chr5-112043272-A-C.
Other names: c.-326A>C (NM_001407469.1, NM_001407452.1, NM_001407456.1 and 3 more transcripts); c.-1361A>C (NM_001407470.1, NM_001407472.1); c.-117A>C (NM_001407453.1); c.-93A>C (NM_001407457.1, NM_001407458.1, NM_001407448.1 and 1 more transcripts); c.-143A>C (NM_001354897.2, NM_001354902.2, NM_001407446.1).
Identifiers: ClinVar variation 2981703 (VCV002981703.3), dbSNP rs1750579345, ClinGen allele CA2674863534.
Genomic context (GRCh38, chr5:112,707,575, plus strand): 5'-CCTCCCACAAGATGGCGGAGGGCAAGTAGCAAGGGGGCGGGGTGTGGCCGCCGGAAGCCT[A>C]GCCGCTGCTCGGGGGGGACCTGCGGGCTCAGGCCCGGGAGCTGCGGACCGAGGTTGGCTC-3'

ClinVar aggregate classification (germline): Uncertain significance (1 of 4 stars; one submission).

Conditions:
Familial adenomatous polyposis 1 (FAP1). Also called: FAMILIAL ADENOMATOUS POLYPOSIS 1, ATTENUATED; POLYPOSIS, ADENOMATOUS INTESTINAL. Identifiers: MedGen C2713442, MONDO:0021056, OMIM 175100. Disease mechanism: loss of function.

Submission:

Labcorp Genetics (formerly Invitae), Labcorp
Classification: Uncertain significance for Familial adenomatous polyposis 1. Last evaluated: 2025-05-13. Review status: criteria provided, single submitter. Criteria: Invitae Variant Classification Sherloc (09022015). Collection method: clinical testing. Allele origin: germline.
Comment: This variant occurs in a non-coding region of the APC gene. It does not change the encoded amino acid sequence of the APC protein. This variant is not present in population databases (gnomAD no frequency). This variant has not been reported in the literature in individuals affected with APC-related conditions. Experimental studies and prediction algorithms are not available or were not evaluated, and the functional significance of this variant is currently unknown. In summary, the available evidence is currently insufficient to determine the role of this variant in disease. Therefore, it has been classified as a Variant of Uncertain Significance.